The following is an entry in ClinVar:

NM_005264.8(GFRA1):c.1251+8T>G

Gene: GFRA1 (GDNF family receptor alpha 1; minus strand). Cytogenetic location: 10q25.3.
Variant type: single nucleotide variant.
Coding change: c.1251+8T>G on transcript NM_005264.8 (MANE Select); 8 bases into the intron after coding-DNA position 1251, T replaced by G.
Molecular consequence: intron variant.
Genome position (GRCh38, 1-based): chr10:116,065,565, A>C on the plus strand (T>G on the coding strand, the complement: GFRA1 is on the minus strand). VCF-style: chr10-116065565-A-C. GRCh37 (hg19) VCF-style: chr10-117825076-A-C.
Other names: c.1236+8T>G (NM_001382557.2, NM_001382556.2, NM_001145453.4 and 6 more transcripts); c.1251+8T>G (NM_001348098.4); c.888+8T>G (NM_001348099.3).
Identifiers: ClinVar variation 3034245 (VCV003034245.2), dbSNP rs371052783, ClinGen allele CA5705130.

ClinVar aggregate classification (germline): Likely benign (0 of 4 stars; one submission).

Conditions:
GFRA1-related disorder. Also called: GFRA1-related condition.

Allele frequency attached by ClinVar (database versions not stated): gnomAD 0.00006; TOPMed 0.00006; ExAC 0.00016; ESP Exome Variant Server 0.00023.
gnomAD v4.1: 142 of 1,610,342 alleles (0.0088%); highest among the groups gnomAD compares: South Asian, 0.088%; 1 homozygote.

Submission:

PreventionGenetics, part of Exact Sciences
Classification: Likely benign for GFRA1-related condition. Last evaluated: 2019-06-10. Review status: no assertion criteria provided. Collection method: clinical testing. Allele origin: germline.
Comment: This variant is classified as likely benign based on ACMG/AMP sequence variant interpretation guidelines (Richards et al. 2015 PMID: 25741868, with internal and published modifications).